The following is an entry in ClinVar:

ClinVar aggregate classification (germline): Uncertain significance (1 of 4 stars; one submission).

Conditions:
Desmin-related myofibrillar myopathy (MFM1). Also called: Desminopathy; MYOFIBRILLAR MYOPATHY WITH ARRHYTHMOGENIC RIGHT VENTRICULAR CARDIOMYOPATHY; DESMIN-RELATED MYOPATHY WITH ARRHYTHMOGENIC RIGHT VENTRICULAR CARDIOMYOPATHY; Desmin related myopathy (former name); Desmin storage myopathy (former name); Myofibrillar myopathy 1. Identifiers: Orphanet 363543, Orphanet 98909, MedGen C1832370, MONDO:0011076, OMIM 601419.

Submission:

Labcorp Genetics (formerly Invitae), Labcorp
Classification: Uncertain significance for Desmin-related myofibrillar myopathy. Last evaluated: 2023-12-16. Review status: criteria provided, single submitter. Criteria: Invitae Variant Classification Sherloc (09022015). Collection method: clinical testing. Allele origin: germline.
Comment: This sequence change replaces alanine, which is neutral and non-polar, with glycine, which is neutral and non-polar, at codon 96 of the DES protein (p.Ala96Gly). This variant is not present in population databases (gnomAD no frequency). This variant has not been reported in the literature in individuals affected with DES-related conditions. Advanced modeling of protein sequence and biophysical properties (such as structural, functional, and spatial information, amino acid conservation, physicochemical variation, residue mobility, and thermodynamic stability) has been performed at Invitae for this missense variant, however the output from this modeling did not meet the statistical confidence thresholds required to predict the impact of this variant on DES protein function. In summary, the available evidence is currently insufficient to determine the role of this variant in disease. Therefore, it has been classified as a Variant of Uncertain Significance.

NM_001927.4(DES):c.287C>G (p.Ala96Gly)

Gene: DES (desmin; plus strand). Cytogenetic location: 2q35.
Variant type: single nucleotide variant.
Coding change: c.287C>G on transcript NM_001927.4 (MANE Select); coding-DNA position 287, C replaced by G.
Protein change: p.Ala96Gly; replaces alanine 96 with glycine.
Molecular consequence: missense variant.
Genome position (GRCh38, 1-based): chr2:219,418,749, C>G. VCF-style: chr2-219418749-C-G. GRCh37 (hg19) VCF-style: chr2-220283471-C-G.
Other names: c.287C>G, p.Ala96Gly (NM_001382708.1, NM_001382709.1, NM_001382710.1 and 3 more transcripts); short protein forms A96G.
Identifiers: ClinVar variation 2921474 (VCV002921474.3), dbSNP rs866095764, ClinGen allele CA350684907.